The following is an entry in ClinVar:

NM_024675.4(PALB2):c.3088A>G (p.Thr1030Ala)

Gene: PALB2 (partner and localizer of BRCA2; minus strand). Cytogenetic location: 16p12.2.
Variant type: single nucleotide variant.
Coding change: c.3088A>G on transcript NM_024675.4 (MANE Select); coding-DNA position 3088, A replaced by G.
Protein change: p.Thr1030Ala; replaces threonine 1030 with alanine.
Molecular consequence: missense variant.
Genome position (GRCh38, 1-based): chr16:23,621,387, T>C on the plus strand (A>G on the coding strand, the complement: PALB2 is on the minus strand). VCF-style: chr16-23621387-T-C. GRCh37 (hg19) VCF-style: chr16-23632708-T-C.
Other names: short protein forms T1030A.
Identifiers: ClinVar variation 830190 (VCV000830190.15), dbSNP rs1040452708, ClinGen allele CA279533265.

ClinVar aggregate classification (germline): Uncertain significance. Review status: criteria provided, multiple submitters, no conflicts (2 of 4 stars). 5 submissions from 5 submitters: Uncertain significance (4). 1 of the submissions does not count toward it. Last evaluated 2025-11-11.

Conditions:
Familial cancer of breast. Also called: BREAST CANCER, FAMILIAL; Hereditary breast cancer; hereditary breast carcinoma. Identifiers: Orphanet 227535, MedGen C0346153, MONDO:0016419, OMIM 114480. Disease mechanism: loss of function.
Hereditary cancer-predisposing syndrome. Also called: Hereditary neoplastic syndrome; Neoplastic Syndromes, Hereditary; Tumor predisposition; Hereditary Cancer Syndrome. Identifiers: Orphanet 140162, MedGen C0027672, MeSH D009386, MONDO:0015356.

Allele frequency attached by ClinVar (database versions not stated): TOPMed below 0.00001; gnomAD exomes 0.00002.
gnomAD v4.1: 24 of 1,612,726 alleles (0.0015%); highest among the groups gnomAD compares: East Asian, 0.0045%; 1 homozygote.

Submissions (5):

Ambry Genetics
Classification: Uncertain significance for Hereditary cancer-predisposing syndrome. Last evaluated: 2025-11-11. Review status: criteria provided, single submitter. Criteria: Ambry Variant Classification Scheme 2023. Collection method: clinical testing. Allele origin: germline.
Comment: The p.T1030A variant (also known as c.3088A>G), located in coding exon 10 of the PALB2 gene, results from an A to G substitution at nucleotide position 3088. The threonine at codon 1030 is replaced by alanine, an amino acid with similar properties. This amino acid position is highly conserved in available vertebrate species. In addition, this alteration is predicted to be tolerated by in silico analysis. Since supporting evidence is limited at this time, the clinical significance of this alteration remains unclear.

Quest Diagnostics Nichols Institute San Juan Capistrano
Classification: Uncertain significance. Last evaluated: 2024-10-31. Review status: criteria provided, single submitter. Criteria: Quest Diagnostics criteria. Collection method: clinical testing. Allele origin: unknown.
Comment: The PALB2 c.3088A>G (p.Thr1030Ala) variant has been reported in the published literature in individuals affected breast cancer (PMIDs: 28779002 (2017), 35585550 (2022)), ovarian cancer (PMID: 26315354 (2015)), and prostate cancer (PMIDs: 28259476 (2017), 31214711 (2020)). It has also been identified in reportedly healthy individuals (PMIDs: 28779002 (2017), 30287823 (2018), 32546565 (2021)). This variant has not been reported in large, multi-ethnic general populations (Genome Aggregation Database). Analysis of this variant using bioinformatics tools for the prediction of the effect of amino acid changes on protein structure and function yielded predictions that this variant is damaging. Based on the available information, we are unable to determine the clinical significance of this variant.

Labcorp Genetics (formerly Invitae), Labcorp
Classification: Uncertain significance for Familial cancer of breast. Last evaluated: 2023-11-14. Review status: criteria provided, single submitter. Criteria: Invitae Variant Classification Sherloc (09022015). Collection method: clinical testing. Allele origin: germline.
Comment: This sequence change replaces threonine, which is neutral and polar, with alanine, which is neutral and non-polar, at codon 1030 of the PALB2 protein (p.Thr1030Ala). This variant is not present in population databases (gnomAD no frequency). This missense change has been observed in individual(s) with ovarian cancer (PMID: 26315354). ClinVar contains an entry for this variant (Variation ID: 830190). Advanced modeling of protein sequence and biophysical properties (such as structural, functional, and spatial information, amino acid conservation, physicochemical variation, residue mobility, and thermodynamic stability) performed at Invitae indicates that this missense variant is expected to disrupt PALB2 protein function with a positive predictive value of 80%. In summary, the available evidence is currently insufficient to determine the role of this variant in disease. Therefore, it has been classified as a Variant of Uncertain Significance.

Color Diagnostics, LLC DBA Color Health
Classification: Uncertain significance for Hereditary cancer-predisposing syndrome. Last evaluated: 2019-11-06. Review status: criteria provided, single submitter. Criteria: ACMG Guidelines, 2015. Collection method: clinical testing. Allele origin: germline.
Comment: This missense variant replaces threonine with alanine at codon 1030 of the PALB2 protein. Computational prediction suggests that this variant may not impact protein structure and function (internally defined REVEL score threshold <= 0.5, PMID: 27666373). Splice site prediction tools suggest that this variant may not impact RNA splicing. To our knowledge, functional studies have not been performed for this variant. This variant has not been reported in individuals affected with hereditary cancer in the literature. This variant has not been identified in the general population by the Genome Aggregation Database (gnomAD). The available evidence is insufficient to determine the role of this variant in disease conclusively. Therefore, this variant is classified as a Variant of Uncertain Significance.

Leiden Open Variation Database
Classification: Uncertain significance. Last evaluated: 2018-08-25. Review status: no assertion criteria provided. Collection method: curation. Allele origin: germline. Affected: yes. Not counted in ClinVar's aggregate classification.
Comment: Curators: Marc Tischkowitz, Arleen D. Auerbach. Submitter to LOVD: Yukihide Momozawa.

Literature cited by the submitters: PubMed 35585550 (cited by Quest Diagnostics Nichols Institute San Juan Capistrano); PubMed 26315354 (cited by Quest Diagnostics Nichols Institute San Juan Capistrano and Labcorp Genetics (formerly Invitae), Labcorp); PubMed 28259476 (cited by Quest Diagnostics Nichols Institute San Juan Capistrano); PubMed 28779002 (cited by Quest Diagnostics Nichols Institute San Juan Capistrano); PubMed 30287823 (cited by Quest Diagnostics Nichols Institute San Juan Capistrano and Leiden Open Variation Database); PubMed 32980694 (cited by Quest Diagnostics Nichols Institute San Juan Capistrano); PubMed 31214711 (cited by Quest Diagnostics Nichols Institute San Juan Capistrano); PubMed 32546565 (cited by Quest Diagnostics Nichols Institute San Juan Capistrano); PubMed 36243179 (cited by Quest Diagnostics Nichols Institute San Juan Capistrano).